The following is an entry in ClinVar:

NM_024642.5(GALNT12):c.837C>A (p.Phe279Leu)

Gene: GALNT12 (polypeptide N-acetylgalactosaminyltransferase 12; plus strand). Cytogenetic location: 9q22.33.
Variant type: single nucleotide variant.
Coding change: c.837C>A on transcript NM_024642.5 (MANE Select); coding-DNA position 837, C replaced by A.
Protein change: p.Phe279Leu; replaces phenylalanine 279 with leucine.
Molecular consequence: missense variant.
Genome position (GRCh38, 1-based): chr9:98,831,877, C>A. VCF-style: chr9-98831877-C-A. GRCh37 (hg19) VCF-style: chr9-101594159-C-A.
Other names: short protein forms F279L.
Identifiers: ClinVar variation 663316 (VCV000663316.9), dbSNP rs754951224, ClinGen allele CA5154072.

ClinVar aggregate classification (germline): Uncertain significance. Review status: criteria provided, multiple submitters, no conflicts (2 of 4 stars). 2 submissions from 2 submitters: Uncertain significance (2). Last evaluated 2024-02-20.

gnomAD v4.1: 1 of 1,614,100 alleles (0.000062%); highest among the groups gnomAD compares: East Asian, 0.0022%; no homozygotes.

Submissions (2):

Ambry Genetics
Classification: Uncertain significance. Last evaluated: 2024-02-20. Review status: criteria provided, single submitter. Criteria: Ambry Variant Classification Scheme 2023. Collection method: clinical testing. Allele origin: germline.
Comment: The p.F279L variant (also known as c.837C>A), located in coding exon 4 of the GALNT12 gene, results from a C to A substitution at nucleotide position 837. The phenylalanine at codon 279 is replaced by leucine, an amino acid with highly similar properties. This amino acid position is conserved. In addition, this alteration is predicted to be deleterious by in silico analysis. Based on the available evidence, the clinical significance of this alteration remains unclear.

Labcorp Genetics (formerly Invitae), Labcorp
Classification: Uncertain significance. Last evaluated: 2023-02-07. Review status: criteria provided, single submitter. Criteria: Invitae Variant Classification Sherloc (09022015). Collection method: clinical testing. Allele origin: germline.
Comment: In summary, the available evidence is currently insufficient to determine the role of this variant in disease. Therefore, it has been classified as a Variant of Uncertain Significance. Advanced modeling of protein sequence and biophysical properties (such as structural, functional, and spatial information, amino acid conservation, physicochemical variation, residue mobility, and thermodynamic stability) performed at Invitae indicates that this missense variant is not expected to disrupt GALNT12 protein function. ClinVar contains an entry for this variant (Variation ID: 663316). This variant has not been reported in the literature in individuals affected with GALNT12-related conditions. This variant is present in population databases (rs754951224, gnomAD 0.006%). This sequence change replaces phenylalanine, which is neutral and non-polar, with leucine, which is neutral and non-polar, at codon 279 of the GALNT12 protein (p.Phe279Leu).